The following is an entry in ClinVar:

NR_003051.4(RMRP):n.87C>G

Gene: RMRP (RNA component of mitochondrial RNA processing endoribonuclease; minus strand). Cytogenetic location: 9p13.3.
Variant type: single nucleotide variant.
Genome position: GRCh38 VCF-style: chr9-35657933-G-C. GRCh37 (hg19) VCF-style: chr9-35657930-G-C.
Identifiers: ClinVar variation 969978 (VCV000969978.6), dbSNP rs545284014, ClinGen allele CA192745656.

ClinVar aggregate classification (germline): Uncertain significance. Review status: criteria provided, multiple submitters, no conflicts (2 of 4 stars). 3 submissions from 3 submitters: Uncertain significance (2). 1 of the submissions does not count toward it. Last evaluated 2025-01-20.

Conditions:
Metaphyseal chondrodysplasia, McKusick type (CHH). Also called: Cartilage-Hair Hypoplasia (CHH); Cartilage-hair hypoplasia. Identifiers: Orphanet 175, MedGen C0220748, MONDO:0009595, OMIM 250250.
Anauxetic dysplasia 1 (ANXD1). Also called: Anauxetic Dysplasia (AD). Identifiers: Orphanet 93347, MedGen C4551965, MONDO:0054560, OMIM 607095.
Metaphyseal dysplasia without hypotrichosis. Also called: CARTILAGE-HAIR HYPOPLASIA VARIANT, SKELETAL MANIFESTATIONS ONLY; CARTILAGE-HAIR HYPOPLASIA-LIKE SKELETAL DYSPLASIA WITHOUT HYPOTRICHOSIS OR IMMUNODEFICIENCY; Metaphyseal Dysplasia without Hypotrichosis (MDWH). Identifiers: MedGen C1834821, MONDO:0009601, OMIM 250460.
Anauxetic dysplasia. Identifiers: Orphanet 93347, MedGen C1846796, MONDO:0011773.

Allele frequency attached by ClinVar (database versions not stated): TOPMed 0.00010.
gnomAD v4.1: 45 of 700,338 alleles (0.0064%); highest among the groups gnomAD compares: Admixed American, 0.01%; no homozygotes.

Submissions (3):

Labcorp Genetics (formerly Invitae), Labcorp
Classification: Uncertain significance for Anauxetic dysplasia. Last evaluated: 2025-01-20. Review status: criteria provided, single submitter. Criteria: Invitae Variant Classification Sherloc (09022015). Collection method: clinical testing. Allele origin: germline.
Comment: This variant occurs in the RMRP gene, which encodes an RNA molecule that does not result in a protein product. This variant is present in population databases (no rsID available, gnomAD 0.02%). This variant has not been reported in the literature in individuals affected with RMRP-related conditions. ClinVar contains an entry for this variant (Variation ID: 969978). Experimental studies and prediction algorithms are not available or were not evaluated, and the functional significance of this variant is currently unknown. In summary, the available evidence is currently insufficient to determine the role of this variant in disease. Therefore, it has been classified as a Variant of Uncertain Significance.

Fulgent Genetics
Classification: Uncertain significance for Metaphyseal chondrodysplasia, McKusick type; Metaphyseal dysplasia without hypotrichosis; Anauxetic dysplasia 1. Last evaluated: 2021-10-11. Review status: criteria provided, single submitter. Criteria: ACMG Guidelines, 2015. Collection method: clinical testing. Allele origin: unknown.

Natera, Inc.
Classification: Uncertain significance for Cartilage-hair hypoplasia. Last evaluated: 2020-06-26. Review status: no assertion criteria provided. Collection method: clinical testing. Allele origin: germline. Not counted in ClinVar's aggregate classification.